The following is an entry in ClinVar:

NM_000020.3(ACVRL1):c.940C>T (p.His314Tyr)

Gene: ACVRL1 (activin A receptor like type 1; plus strand). Cytogenetic location: 12q13.13.
Variant type: single nucleotide variant.
Coding change: c.940C>T on transcript NM_000020.3 (MANE Select); coding-DNA position 940, C replaced by T.
Protein change: p.His314Tyr; replaces histidine 314 with tyrosine.
Molecular consequence: missense variant.
Genome position (GRCh38, 1-based): chr12:51,915,392, C>T. VCF-style: chr12-51915392-C-T. GRCh37 (hg19) VCF-style: chr12-52309176-C-T.
Other names: c.940C>T, p.His314Tyr (NM_001077401.2); short protein forms H314Y.
Identifiers: ClinVar variation 582561 (VCV000582561.11), dbSNP rs1565594311, ClinGen allele CA384901181.

ClinVar aggregate classification (germline): Pathogenic. Review status: criteria provided, multiple submitters, no conflicts (2 of 4 stars). 2 submissions from 2 submitters: Pathogenic (2). Last evaluated 2025-09-12.

Conditions:
Cardiovascular phenotype. Identifiers: MedGen CN230736.
Telangiectasia, hereditary hemorrhagic, type 2 (HHT2). Also called: ACVRL1-Related Hereditary Hemorrhagic Telangiectasia; Telangiectasia, hereditary hemorrhagic, type II. Identifiers: Orphanet 774, MedGen C1838163, MONDO:0010880, OMIM 600376. Disease mechanism: loss of function.

Submissions (2):

Labcorp Genetics (formerly Invitae), Labcorp
Classification: Pathogenic for Telangiectasia, hereditary hemorrhagic, type 2. Last evaluated: 2025-09-12. Review status: criteria provided, single submitter. Criteria: Invitae Variant Classification Sherloc (09022015). Collection method: clinical testing. Allele origin: germline.
Comment: This sequence change replaces histidine, which is basic and polar, with tyrosine, which is neutral and polar, at codon 314 of the ACVRL1 protein (p.His314Tyr). This variant is not present in population databases (gnomAD no frequency). This missense change has been observed in individuals with hereditary hemorrhagic telangiectasia (HHT) (PMID: 15024723, 15880681, 16690726). ClinVar contains an entry for this variant (Variation ID: 582561). Invitae Evidence Modeling of protein sequence and biophysical properties (such as structural, functional, and spatial information, amino acid conservation, physicochemical variation, residue mobility, and thermodynamic stability) indicates that this missense variant is expected to disrupt ACVRL1 protein function with a positive predictive value of 95%. Experimental studies have shown that this missense change affects ACVRL1 function (PMID: 26176610). For these reasons, this variant has been classified as Pathogenic.

Ambry Genetics
Classification: Pathogenic for Cardiovascular phenotype. Last evaluated: 2020-10-12. Review status: criteria provided, single submitter. Criteria: Ambry Variant Classification Scheme 2023. Collection method: clinical testing. Allele origin: germline.
Comment: The p.H314Y pathogenic mutation (also known as c.940C>T), located in coding exon 6 of the ACVRL1 gene, results from a C to T substitution at nucleotide position 940. The histidine at codon 314 is replaced by tyrosine, an amino acid with similar properties. This alteration have been reported in multiple individuals with confirmed or suspected hereditary hemorrhagic telangiectasia (Lesca G et al. Hum Mutat, 2004 Apr;23:289-99; Prigoda NL et al. J Med Genet, 2006 Sep;43:722-8; Schulte C et al. Hum Mutat, 2005 Jun;25:595; Seo J et al. Ann Dermatol, 2016 Apr;28:264-6). Based on internal structural analysis, H314Y disrupts the structure of the C-lobe of the kinase domain of ACVRL1 (Kerr G et al. Angiogenesis, 2015 Apr;18:209-17). Functional analyses showed that the H314Y mutation results in a maturation defect and that mutant protein fails to reach the cell surface; additionally, although mutant protein was able to respond to BMP9 stimulation to some extent, it was substantially lower as compared to wild type (Alaa El Din F et al. PLoS One, 2015 Jul;10:e0132111). Based on the supporting evidence, this alteration is interpreted as a disease-causing mutation.

Literature cited by the submitters: PubMed 15024723 (cited by Labcorp Genetics (formerly Invitae), Labcorp and Ambry Genetics); PubMed 15880681 (cited by Labcorp Genetics (formerly Invitae), Labcorp and Ambry Genetics); PubMed 16690726 (cited by Labcorp Genetics (formerly Invitae), Labcorp and Ambry Genetics); PubMed 26176610 (cited by Labcorp Genetics (formerly Invitae), Labcorp and Ambry Genetics); PubMed 25557927 (cited by Ambry Genetics); PubMed 27081284 (cited by Ambry Genetics).